The following is an entry in ClinVar:

ClinVar aggregate classification (germline): Uncertain significance. Review status: criteria provided, multiple submitters, no conflicts (2 of 4 stars). 4 submissions from 4 submitters: Uncertain significance (4). Last evaluated 2023-09-15.

Conditions:
Hereditary cancer-predisposing syndrome. Also called: Hereditary Cancer Syndrome; Hereditary neoplastic syndrome; Neoplastic Syndromes, Hereditary; Tumor predisposition. Identifiers: Orphanet 140162, MedGen C0027672, MeSH D009386, MONDO:0015356.
Peutz-Jeghers syndrome (PJS). Also called: POLYPOSIS, HAMARTOMATOUS INTESTINAL; POLYPS-AND-SPOTS SYNDROME; Peutz-Jeghers polyposis; Periorificial lentiginosis syndrome. Identifiers: Orphanet 2869, MedGen C0031269, MeSH D010580, MONDO:0008280, OMIM 175200.

Allele frequency attached by ClinVar (database versions not stated): TOPMed 0.00002.
gnomAD v4.1: 3 of 1,588,284 alleles (0.00019%); highest among the groups gnomAD compares: South Asian, 0.0011%; no homozygotes.

Submissions (4):

Ambry Genetics
Classification: Uncertain significance for Hereditary cancer-predisposing syndrome. Last evaluated: 2023-09-15. Review status: criteria provided, single submitter. Criteria: Ambry Variant Classification Scheme 2023. Collection method: clinical testing. Allele origin: germline.
Comment: The p.F204L variant (also known as c.612C>G), located in coding exon 5 of the STK11 gene, results from a C to G substitution at nucleotide position 612. The phenylalanine at codon 204 is replaced by leucine, an amino acid with highly similar properties. This amino acid position is highly conserved in available vertebrate species. In addition, this alteration is predicted to be tolerated by in silico analysis. Since supporting evidence is limited at this time, the clinical significance of this alteration remains unclear.

All of Us Research Program, National Institutes of Health
Classification: Uncertain significance for Peutz-Jeghers syndrome. Last evaluated: 2023-08-28. Review status: criteria provided, single submitter. Criteria: ACMG Guidelines, 2015. Collection method: clinical testing. Allele origin: germline. Inheritance: Autosomal dominant inheritance. Observed: 1 variant allele, 1 heterozygote.
Comment: This missense variant replaces phenylalanine with leucine at codon 204 of the STK11 protein. Computational prediction suggests that this variant may not impact protein structure and function (internally defined REVEL score threshold <= 0.5, PMID: 27666373). Splice site prediction tools suggest that this variant may not impact RNA splicing. To our knowledge, functional studies have not been performed for this variant. This variant has not been reported in individuals affected with hereditary cancer in the literature. This variant has been identified in 2/207118 chromosomes in the general population by the Genome Aggregation Database (gnomAD). The available evidence is insufficient to determine the role of this variant in disease conclusively. Therefore, this variant is classified as a Variant of Uncertain Significance.

This study involves interpretation of variants in research participants for the purpose of population health screening. Participant phenotype was not available at the time of variant classification. Additional details can be found in publication PMID: 35346344, PMCID: PMC8962531

Labcorp Genetics (formerly Invitae), Labcorp
Classification: Uncertain significance for Peutz-Jeghers syndrome. Last evaluated: 2023-06-17. Review status: criteria provided, single submitter. Criteria: Invitae Variant Classification Sherloc (09022015). Collection method: clinical testing. Allele origin: germline.
Comment: This sequence change replaces phenylalanine, which is neutral and non-polar, with leucine, which is neutral and non-polar, at codon 204 of the STK11 protein (p.Phe204Leu). This variant is present in population databases (rs774100153, gnomAD 0.002%). This missense change has been observed in individual(s) with breast cancer (PMID: 28580595). ClinVar contains an entry for this variant (Variation ID: 920208). Advanced modeling of protein sequence and biophysical properties (such as structural, functional, and spatial information, amino acid conservation, physicochemical variation, residue mobility, and thermodynamic stability) has been performed at Invitae for this missense variant, however the output from this modeling did not meet the statistical confidence thresholds required to predict the impact of this variant on STK11 protein function. In summary, the available evidence is currently insufficient to determine the role of this variant in disease. Therefore, it has been classified as a Variant of Uncertain Significance.

Color Diagnostics, LLC DBA Color Health
Classification: Uncertain significance for Hereditary cancer-predisposing syndrome. Last evaluated: 2023-02-28. Review status: criteria provided, single submitter. Criteria: ACMG Guidelines, 2015. Collection method: clinical testing. Allele origin: germline.
Comment: This missense variant replaces phenylalanine with leucine at codon 204 of the STK11 protein. Computational prediction suggests that this variant may not impact protein structure and function (internally defined REVEL score threshold <= 0.5, PMID: 27666373). To our knowledge, functional studies have not been performed for this variant. This variant has not been reported in individuals affected with hereditary cancer in the literature. This variant has been identified in 2/207118 chromosomes in the general population by the Genome Aggregation Database (gnomAD). The available evidence is insufficient to determine the role of this variant in disease conclusively. Therefore, this variant is classified as a Variant of Uncertain Significance.

Literature cited by the submitters: PubMed 28580595 (cited by Labcorp Genetics (formerly Invitae), Labcorp).

NM_000455.5(STK11):c.612C>G (p.Phe204Leu)

Gene: STK11 (serine/threonine kinase 11; plus strand). Cytogenetic location: 19p13.3.
Variant type: single nucleotide variant.
Coding change: c.612C>G on transcript NM_000455.5 (MANE Select); coding-DNA position 612, C replaced by G.
Protein change: p.Phe204Leu; replaces phenylalanine 204 with leucine.
Molecular consequence: missense variant.
Genome position (GRCh38, 1-based): chr19:1,220,595, C>G. VCF-style: chr19-1220595-C-G. GRCh37 (hg19) VCF-style: chr19-1220594-C-G.
Other names: short protein forms F204L.
Identifiers: ClinVar variation 920208 (VCV000920208.11), dbSNP rs774100153, ClinGen allele CA048335.
Genomic context (GRCh38, chr19:1,220,595, plus strand): 5'-CGCCCCCTCCCGGGCACTCCCTGAGGGCTGCACGGCACCGCCACAGGCACTGCACCCGTT[C>G]GCGGCGGACGACACCTGCCGGACCAGCCAGGGCTCCCCGGCTTTCCAGCCGCCCGAGATT-3'
Protein context (NP_000446.1, residues 194-214): DLGVAEALHP[Phe204Leu]AADDTCRTSQ